The following is an entry in ClinVar:

NM_001845.6(COL4A1):c.552+6C>T

Gene: COL4A1 (collagen type IV alpha 1 chain; minus strand). Cytogenetic location: 13q34.
Variant type: single nucleotide variant.
Coding change: c.552+6C>T on transcript NM_001845.6 (MANE Select); 6 bases into the intron after coding-DNA position 552, C replaced by T.
Molecular consequence: intron variant.
Genome position (GRCh38, 1-based): chr13:110,210,123, G>A on the plus strand (C>T on the coding strand, the complement: COL4A1 is on the minus strand). VCF-style: chr13-110210123-G-A. GRCh37 (hg19) VCF-style: chr13-110862470-G-A.
Other names: c.552+6C>T (NM_001303110.2).
Identifiers: ClinVar variation 3707135 (VCV003707135.2).

ClinVar aggregate classification (germline): Uncertain significance (1 of 4 stars; one submission).

gnomAD v4.1: 1 of 1,614,076 alleles (0.000062%); highest among the groups gnomAD compares: Non-Finnish European, 0.000085%; no homozygotes.

Submission:

Labcorp Genetics (formerly Invitae), Labcorp
Classification: Uncertain significance. Last evaluated: 2024-12-04. Review status: criteria provided, single submitter. Criteria: Invitae Variant Classification Sherloc (09022015). Collection method: clinical testing. Allele origin: germline.
Comment: This sequence change falls in intron 9 of the COL4A1 gene. It does not directly change the encoded amino acid sequence of the COL4A1 protein. It affects a nucleotide within the consensus splice site. This variant is not present in population databases (gnomAD no frequency). This variant has not been reported in the literature in individuals affected with COL4A1-related conditions. Variants that disrupt the consensus splice site are a relatively common cause of aberrant splicing (PMID: 17576681, 9536098). Algorithms developed to predict the effect of sequence changes on RNA splicing suggest that this variant is not likely to affect RNA splicing. In summary, the available evidence is currently insufficient to determine the role of this variant in disease. Therefore, it has been classified as a Variant of Uncertain Significance.

Literature cited by the submitters: PubMed 17576681; PubMed 9536098.